The following is an entry in ClinVar:

ClinVar aggregate classification (germline): Uncertain significance (1 of 4 stars; one submission).

Conditions:
Developmental and epileptic encephalopathy 103 (DEE103). Identifiers: MedGen C5677002, MONDO:0030957, OMIM 619913.

Submission:

3billion
Classification: Uncertain significance for Developmental and epileptic encephalopathy 103. Last evaluated: 2025-09-17. Review status: criteria provided, single submitter. Criteria: ACMG Guidelines, 2015. Collection method: clinical testing. Allele origin: germline. Affected: yes.
Comment: The variant is not observed in the gnomAD v4.1.0 dataset. Predicted Consequence/Location: Missense variant. Missense changes are a common disease-causing mechanism. Damaging effect on gene or gene product predicted by in silico programs is uncertain [REVEL: 0.28 (damaging >=0.6, benign <0.4), 3Cnet: 0.20 (damaging >0.75, benign <0.1)]. Therefore, this variant is classified as VUS according to the recommendation of ACMG/AMP guideline.

NM_139137.4(KCNC2):c.460A>G (p.Met154Val)

Gene: KCNC2 (potassium voltage-gated channel subfamily C member 2; minus strand). Cytogenetic location: 12q21.1.
Variant type: single nucleotide variant.
Coding change: c.460A>G on transcript NM_139137.4 (MANE Select); coding-DNA position 460, A replaced by G.
Protein change: p.Met154Val; replaces methionine 154 with valine.
Molecular consequence: missense variant. On other transcripts: non-coding transcript variant (2).
Genome position (GRCh38, 1-based): chr12:75,207,524, T>C on the plus strand (A>G on the coding strand, the complement: KCNC2 is on the minus strand). VCF-style: chr12-75207524-T-C. GRCh37 (hg19) VCF-style: chr12-75601304-T-C.
Other names: c.460A>G, p.Met154Val (NM_001260497.2, NM_001260498.2, NM_001260499.2 and 13 more transcripts); short protein forms M154V.
Identifiers: ClinVar variation 4856245 (VCV004856245.1).